The following is an entry in ClinVar:

NM_003482.4(KMT2D):c.7811G>T (p.Ser2604Ile)

Gene: KMT2D (lysine methyltransferase 2D; minus strand). Cytogenetic location: 12q13.12.
Variant type: single nucleotide variant.
Coding change: c.7811G>T on transcript NM_003482.4 (MANE Select); coding-DNA position 7811, G replaced by T.
Protein change: p.Ser2604Ile; replaces serine 2604 with isoleucine.
Molecular consequence: missense variant.
Genome position (GRCh38, 1-based): chr12:49,039,959, C>A on the plus strand (G>T on the coding strand, the complement: KMT2D is on the minus strand). VCF-style: chr12-49039959-C-A. GRCh37 (hg19) VCF-style: chr12-49433742-C-A.
Other names: short protein forms S2604I.
Identifiers: ClinVar variation 2505697 (VCV002505697.4), dbSNP rs748317115, ClinGen allele CA6546989.

ClinVar aggregate classification (germline): Conflicting classifications of pathogenicity. Review status: criteria provided, conflicting classifications (1 of 4 stars). 4 submissions from 4 submitters: Uncertain significance (3); Benign (1). Last evaluated 2025-10-27.

Conditions:
Kabuki syndrome 1 (KABUK1). Also called: KMT2D-Related Kabuki Syndrome. Identifiers: Orphanet 2322, MedGen CN030661, MONDO:0007843, OMIM 147920.
Choanal atresia-athelia-hypothyroidism-delayed puberty-short stature syndrome (BCAHH). Also called: BRANCHIAL ARCH ABNORMALITIES, CHOANAL ATRESIA, ATHELIA, HEARING LOSS, AND HYPOTHYROIDISM SYNDROME. Identifiers: Orphanet 589856, MedGen C5680310, MONDO:0035651, OMIM 620186.
Kabuki syndrome. Also called: Kabuki make-up syndrome; NIIKAWA-KUROKI SYNDROME. Identifiers: Orphanet 2322, MedGen C0796004, MONDO:0016512.
KMT2D-related disorder. Also called: KMT2D-Related Disorders.

Allele frequency attached by ClinVar (database versions not stated): gnomAD exomes 0.00001; ExAC 0.00002.
gnomAD v4.1: 4 of 1,613,870 alleles (0.00025%); highest among the groups gnomAD compares: Admixed American, 0.0067%; no homozygotes.

Submissions (4):

Labcorp Genetics (formerly Invitae), Labcorp
Classification: Benign for Kabuki syndrome. Last evaluated: 2025-10-27. Review status: criteria provided, single submitter. Criteria: Invitae Variant Classification Sherloc (09022015). Collection method: clinical testing. Allele origin: germline.

Fulgent Genetics
Classification: Uncertain significance for Kabuki syndrome 1; Choanal atresia-athelia-hypothyroidism-delayed puberty-short stature syndrome. Last evaluated: 2024-02-19. Review status: criteria provided, single submitter. Criteria: ACMG Guidelines, 2015. Collection method: clinical testing. Allele origin: germline.

PreventionGenetics, part of Exact Sciences
Classification: Uncertain significance for KMT2D-related condition. Last evaluated: 2023-03-03. Review status: criteria provided, single submitter. Criteria: ACMG Guidelines, 2015. Collection method: clinical testing. Allele origin: germline.
Comment: The KMT2D c.7811G>T variant is predicted to result in the amino acid substitution p.Ser2604Ile. To our knowledge, this variant has not been reported in the literature. This variant is reported in 0.012% of alleles in individuals of Latino descent in gnomAD. At this time, the clinical significance of this variant is uncertain due to the absence of conclusive functional and genetic evidence.

GeneDx
Classification: Uncertain significance. Last evaluated: 2022-12-13. Review status: criteria provided, single submitter. Criteria: GeneDx Variant Classification Process June 2021. Collection method: clinical testing. Allele origin: germline. Affected: yes.
Comment: In silico analysis supports that this missense variant has a deleterious effect on protein structure/function; Has not been previously published as pathogenic or benign to our knowledge